The following is an entry in ClinVar:

NM_006514.4(SCN10A):c.2640+170G>T

Gene: SCN10A (sodium voltage-gated channel alpha subunit 10; minus strand). Cytogenetic location: 3p22.2.
Variant type: single nucleotide variant.
Coding change: c.2640+170G>T on transcript NM_006514.4 (MANE Select); 170 bases into the intron after coding-DNA position 2640, G replaced by T.
Molecular consequence: intron variant.
Genome position (GRCh38, 1-based): chr3:38,728,372, C>A on the plus strand (G>T on the coding strand, the complement: SCN10A is on the minus strand). VCF-style: chr3-38728372-C-A. GRCh37 (hg19) VCF-style: chr3-38769863-C-A.
Other names: c.2346+170G>T (NM_001293307.2); c.2640+170G>T (NM_001293306.2).
Identifiers: ClinVar variation 678697 (VCV000678697.2), dbSNP rs75284873, ClinGen allele CA72961692.
Genomic context (GRCh38, chr3:38,728,372, plus strand): 5'-CTACACCAGGTCTTTCTTTTCTAATCATATGTTCTCATTCCTGCAAGTCAGACTGCCTCC[C>A]AAGGCACACTTCTTGTAATGAATCCCACATGAATTTGAAAAGTTTGAAGACTTTTCAACC-3'

ClinVar aggregate classification (germline): Benign. Review status: criteria provided, multiple submitters, no conflicts (2 of 4 stars). 2 submissions from 2 submitters: Benign (2). Last evaluated 2018-06-16.

Allele frequency attached by ClinVar (database versions not stated): gnomAD 0.02792 and 0.02979; TOPMed 0.03004; 1000 Genomes Project 0.03075; 1000 Genomes Project 30x 0.03248.

Submissions (2):

GeneDx
Classification: Benign. Last evaluated: 2018-06-16. Review status: criteria provided, single submitter. Criteria: GeneDx Variant Classification (06012015). Collection method: clinical testing. Allele origin: germline. Affected: yes.
Comment: This variant is considered likely benign or benign based on one or more of the following criteria: it is a conservative change, it occurs at a poorly conserved position in the protein, it is predicted to be benign by multiple in silico algorithms, and/or has population frequency not consistent with disease.

Breakthrough Genomics
Classification: Benign. Review status: criteria provided, single submitter. Criteria: ACMG Guidelines, 2015. Collection method: not provided. Allele origin: germline. Inheritance: Autosomal dominant inheritance. Affected: yes.